The following is an entry in ClinVar:

NM_001386298.1(CIC):c.6999del (p.Asn2334fs)

Gene: CIC (capicua transcriptional repressor; plus strand). Cytogenetic location: 19q13.2.
Variant type: Deletion.
Coding change: c.6999del on transcript NM_001386298.1 (MANE Select); coding-DNA position 6999, one base deleted (C; older notation c.6999delC).
Protein change: p.Asn2334fs; shifts the reading frame from asparagine 2334.
Molecular consequence: frameshift variant.
Genome position (GRCh38, 1-based): chr19:42,294,249, C deleted; the last of 3 consecutive C bases (chr19:42,294,247-42,294,249); deleting any one gives the same sequence. VCF-style (leftmost placement, unchanged base first): chr19-42294246-GC-G. GRCh37 (hg19) VCF-style: chr19-42798398-GC-G.
Other names: c.6999del, p.Asn2334fs (NM_001304815.2); c.6996del, p.Asn2333fs (NM_001379480.1, NM_001379482.1); c.6996delC, p.Asn2333Thrfs (NM_001379483.1); c.4272del, p.Asn1425fs (NM_001379484.1, NM_015125.5); c.4269del, p.Asn1424fs (NM_001379485.1); short protein forms N1424fs, N1425fs, N2333fs, N2334fs.
Identifiers: ClinVar variation 1708720 (VCV001708720.2), dbSNP rs2514082917, ClinGen allele CA2580097348.

ClinVar aggregate classification (germline): Pathogenic (1 of 4 stars; one submission).

Submission:

GeneDx
Classification: Pathogenic. Last evaluated: 2022-10-08. Review status: criteria provided, single submitter. Criteria: GeneDx Variant Classification Process June 2021. Collection method: clinical testing. Allele origin: germline. Affected: yes.
Comment: Frameshift variant predicted to result in protein truncation or nonsense mediated decay in a gene for which loss-of-function is a known mechanism of disease; Not observed at significant frequency in large population cohorts (gnomAD); Has not been previously published as pathogenic or benign to our knowledge